The following is an entry in ClinVar:

NM_001114753.3(ENG):c.594_606del (p.Arg199fs)

Gene: ENG (endoglin; minus strand). Cytogenetic location: 9q34.11.
Variant type: Deletion.
Coding change: c.594_606del on transcript NM_001114753.3 (MANE Select); coding-DNA positions 594 to 606, 13 bases deleted (GCGTACTCCAGCC).
Protein change: p.Arg199fs; shifts the reading frame from arginine 199.
Molecular consequence: frameshift variant.
Genome position (GRCh38, 1-based): chr9:127,825,778-127,825,790, GGCTGGAGTACGC deleted on the plus strand (GCGTACTCCAGCC on the coding strand, the reverse complement: ENG is on the minus strand); deleting any 13 consecutive bases within chr9:127,825,778-127,825,793 gives the same sequence; the c. name uses the placement nearest the transcript's 3' end. VCF-style (leftmost placement, unchanged base first): chr9-127825777-AGGCTGGAGTACGC-A. GRCh37 (hg19) VCF-style: chr9-130588056-AGGCTGGAGTACGC-A.
Other names: c.594_606del, p.Arg199fs (NM_000118.4, NM_001406715.1); c.48_60del, p.Arg17fs (NM_001278138.2); short protein forms R199fs, R17fs.
Identifiers: ClinVar variation 4843448 (VCV004843448.1).
Genomic context (GRCh38, chr9:127,825,777, plus strand): 5'-CCCTCAGGATGTGCGCCTCCTTGTGGCCGGCCACGCCTTCCAAGTGGCAGCCCCGGACCA[AGGCTGGAGTACGC>A]GGCCGCCACTCGAGCGTGCGGCCCATGTCCTGGCTGGCTTCCAGCATGCAGAAGGACAGT-3'

ClinVar aggregate classification (germline): Pathogenic (1 of 4 stars; one submission).

Conditions:
Cardiovascular phenotype. Identifiers: MedGen CN230736.

Submission:

Ambry Genetics
Classification: Pathogenic for Cardiovascular phenotype. Last evaluated: 2025-12-16. Review status: criteria provided, single submitter. Criteria: Ambry Variant Classification Scheme 2023. Collection method: clinical testing. Allele origin: germline.
Comment: The c.594_606del13 pathogenic mutation, located in coding exon 5 of the ENG gene, results from a deletion of 13 nucleotides at nucleotide positions 594 to 606, causing a translational frameshift with a predicted alternate stop codon (p.R199Wfs*19). This variant is considered to be rare based on population cohorts in the Genome Aggregation Database (gnomAD). This alteration is expected to result in loss of function by premature protein truncation or nonsense-mediated mRNA decay. As such, this alteration is interpreted as a disease-causing mutation.